The following is an entry in ClinVar:

ClinVar aggregate classification (germline): Benign (0 of 4 stars; one submission).

Conditions:
ABCG1-related disorder. Also called: ABCG1-related condition.

Allele frequency attached by ClinVar (database versions not stated): TOPMed 0.00033; gnomAD 0.00037; gnomAD exomes 0.00040; ExAC 0.00079; 1000 Genomes Project 30x 0.00156; 1000 Genomes Project 0.00200.
gnomAD v4.1: 635 of 1,614,194 alleles (0.039%); highest among the groups gnomAD compares: East Asian, 1.4%; 7 homozygotes.

Submission:

PreventionGenetics, part of Exact Sciences
Classification: Benign for ABCG1-related condition. Last evaluated: 2019-05-28. Review status: no assertion criteria provided. Collection method: clinical testing. Allele origin: germline.
Comment: This variant is classified as benign based on ACMG/AMP sequence variant interpretation guidelines (Richards et al. 2015 PMID: 25741868, with internal and published modifications).

NM_016818.3(ABCG1):c.1722C>T (p.Phe574=)

Gene: ABCG1 (ATP binding cassette subfamily G member 1; plus strand). Cytogenetic location: 21q22.3.
Variant type: single nucleotide variant.
Coding change: c.1722C>T on transcript NM_016818.3 (MANE Select); coding-DNA position 1722, C replaced by T.
Protein change: p.Phe574=; no amino-acid change (phenylalanine 574 retained).
Molecular consequence: synonymous variant.
Genome position (GRCh38, 1-based): chr21:42,294,610, C>T. VCF-style: chr21-42294610-C-T. GRCh37 (hg19) VCF-style: chr21-43714720-C-T.
Other names: c.1758C>T, p.Phe586= (NM_004915.4); c.1755C>T, p.Phe585= (NM_207174.1); c.1728C>T, p.Phe576= (NM_207627.2); c.1656C>T, p.Phe552= (NM_207628.1); c.1713C>T, p.Phe571= (NM_207629.2).
Identifiers: ClinVar variation 3044829 (VCV003044829.2), dbSNP rs139692028, ClinGen allele CA10041532.